The following is an entry in ClinVar:

ClinVar aggregate classification (germline): Uncertain significance (1 of 4 stars; one submission).

Conditions:
RYR1-related disorder. Also called: RYR1-related condition; RYR1-related disorders. Identifiers: MedGen CN239331.

Submission:

Labcorp Genetics (formerly Invitae), Labcorp
Classification: Uncertain significance for RYR1-related disorder. Last evaluated: 2025-11-18. Review status: criteria provided, single submitter. Criteria: Invitae Variant Classification Sherloc (09022015). Collection method: clinical testing. Allele origin: germline.
Comment: This sequence change replaces glutamic acid, which is acidic and polar, with alanine, which is neutral and non-polar, at codon 4238 of the RYR1 protein (p.Glu4238Ala). This variant is not present in population databases (gnomAD no frequency). This variant has not been reported in the literature in individuals affected with RYR1-related conditions. Invitae Evidence Modeling of protein sequence and biophysical properties (such as structural, functional, and spatial information, amino acid conservation, physicochemical variation, residue mobility, and thermodynamic stability) indicates that this missense variant is expected to disrupt RYR1 protein function with a positive predictive value of 80%. In summary, the available evidence is currently insufficient to determine the role of this variant in disease. Therefore, it has been classified as a Variant of Uncertain Significance.

NM_000540.3(RYR1):c.12713A>C (p.Glu4238Ala)

Gene: RYR1 (ryanodine receptor 1; plus strand). Cytogenetic location: 19q13.2.
Variant type: single nucleotide variant.
Coding change: c.12713A>C on transcript NM_000540.3 (MANE Select); coding-DNA position 12713, A replaced by C.
Protein change: p.Glu4238Ala; replaces glutamic acid 4238 with alanine.
Molecular consequence: missense variant.
Genome position (GRCh38, 1-based): chr19:38,565,047, A>C. VCF-style: chr19-38565047-A-C. GRCh37 (hg19) VCF-style: chr19-39055687-A-C.
Other names: c.12698A>C, p.Glu4233Ala (NM_001042723.2); short protein forms E4233A, E4238A.
Identifiers: ClinVar variation 4802131 (VCV004802131.1).